The following is an entry in ClinVar:

ClinVar aggregate classification (germline): Likely pathogenic (1 of 4 stars; one submission).

Conditions:
Intellectual developmental disorder, autosomal dominant 68 (MRD68). Also called: MENTAL RETARDATION, AUTOSOMAL DOMINANT 68. Identifiers: MedGen C5677008, MONDO:0030969, OMIM 619934.

Submission:

Dasa
Classification: Likely pathogenic for Intellectual developmental disorder, autosomal dominant 68. Last evaluated: 2025-07-08. Review status: criteria provided, single submitter. Criteria: DASA Assertion Criteria. Collection method: clinical testing. Allele origin: germline.
Comment: NM_014727.3(KMT2B):c.437-2A>C affects a canonical splice site and is predicted to disrupt normal RNA splicing. Loss of function is an established disease mechanism for KMT2B (PMID: 33098801; PMID: 33150406; PMID: 36288966). Also, this variant is absent from population databases. Based on the currently available evidence, this variant is classified as likely pathogenic.

Literature cited by the submitters: PubMed 33098801; PubMed 33150406; PubMed 36288966.

NM_014727.3(KMT2B):c.437-2A>C

Gene: KMT2B (lysine methyltransferase 2B; plus strand). Cytogenetic location: 19q13.12.
Variant type: single nucleotide variant.
Coding change: c.437-2A>C on transcript NM_014727.3 (MANE Select); the canonical splice acceptor site of the intron before coding-DNA position 437, A replaced by C.
Molecular consequence: splice acceptor variant.
Genome position (GRCh38, 1-based): chr19:35,719,782, A>C. VCF-style: chr19-35719782-A-C. GRCh37 (hg19) VCF-style: chr19-36210684-A-C.
Identifiers: ClinVar variation 4884218 (VCV004884218.2).
Genomic context (GRCh38, chr19:35,719,782, plus strand): 5'-AGCGCCTTCCTCTGTGTGTAGGGCTGGCTTGATCCATCTCCCCACAACTATTCTCCTTTT[A>C]GGTCGAGCGCCCCGAGGTCGGGGTCGCAAGCATAAGACGACCCCCCTTCCTCCTCCTCGC-3'